The following is an entry in ClinVar:

ClinVar aggregate classification (germline): Uncertain significance (1 of 4 stars; one submission).

Conditions:
Cardiovascular phenotype. Identifiers: MedGen CN230736.

Submission:

Ambry Genetics
Classification: Uncertain significance for Cardiovascular phenotype. Last evaluated: 2026-05-17. Review status: criteria provided, single submitter. Criteria: Ambry Variant Classification Scheme 2023. Collection method: clinical testing. Allele origin: germline.
Comment: The p.K1280E variant (also known as c.3838A>G), located in coding exon 24 of the APOB gene, results from an A to G substitution at nucleotide position 3838. The lysine at codon 1280 is replaced by glutamic acid, an amino acid with similar properties. This amino acid position is conserved. In addition, this alteration is predicted to be tolerated by in silico analysis. Based on the available evidence, the clinical significance of this variant remains unclear.

NM_000384.3(APOB):c.3838A>G (p.Lys1280Glu)

Gene: APOB (apolipoprotein B; minus strand). Cytogenetic location: 2p24.1.
Variant type: single nucleotide variant.
Coding change: c.3838A>G on transcript NM_000384.3 (MANE Select); coding-DNA position 3838, A replaced by G.
Protein change: p.Lys1280Glu; replaces lysine 1280 with glutamic acid.
Molecular consequence: missense variant.
Genome position (GRCh38, 1-based): chr2:21,014,452, T>C on the plus strand (A>G on the coding strand, the complement: APOB is on the minus strand). VCF-style: chr2-21014452-T-C. GRCh37 (hg19) VCF-style: chr2-21237324-T-C.
Other names: short protein forms K1280E.
Identifiers: ClinVar variation 4862638 (VCV004862638.1).